The following is an entry in ClinVar:

ClinVar aggregate classification (germline): Uncertain significance (1 of 4 stars; one submission).

Conditions:
Inborn genetic diseases. Identifiers: MedGen C0950123, MeSH D030342.

Allele frequency attached by ClinVar (database versions not stated): gnomAD exomes below 0.00001.
gnomAD v4.1: 2 of 1,211,556 alleles (0.00017%); highest among the groups gnomAD compares: Non-Finnish European, 0.00022%; no homozygotes.

Submission:

Ambry Genetics
Classification: Uncertain significance for Inborn genetic diseases. Last evaluated: 2020-12-18. Review status: criteria provided, single submitter. Criteria: Ambry Variant Classification Scheme 2023. Collection method: clinical testing. Allele origin: germline.
Comment: The p.D559G variant (also known as c.1676A>G), located in coding exon 15 of the AIFM1 gene, results from an A to G substitution at nucleotide position 1676. The aspartic acid at codon 559 is replaced by glycine, an amino acid with similar properties. Based on data from gnomAD, the G allele has an overall frequency of 0.0005450% (1/183480) total alleles studied, with 0 hemizygotes observed. The highest observed frequency was 0.001221% (1/81922) of European (non-Finnish) alleles. This amino acid position is well conserved in available vertebrate species. In addition, this alteration is predicted to be deleterious by in silico analysis. Since supporting evidence is limited at this time, the clinical significance of this alteration remains unclear.

NM_004208.4(AIFM1):c.1676A>G (p.Asp559Gly)

Genes: RAB33A (RAB33A, member RAS oncogene family; plus strand), AIFM1 (apoptosis inducing factor mitochondria associated 1; minus strand). Cytogenetic location: Xq26.1.
Variant type: single nucleotide variant.
Coding change: c.1676A>G on transcript NM_004208.4 (MANE Select); coding-DNA position 1676, A replaced by G.
Protein change: p.Asp559Gly; replaces aspartic acid 559 with glycine.
Molecular consequence: missense variant. On other transcripts: 3 prime UTR variant (1), non-coding transcript variant (1).
Genome position (GRCh38, 1-based): chrX:130,130,064, T>C on the plus strand (A>G on the coding strand, the complement: AIFM1 is on the minus strand). VCF-style: chrX-130130064-T-C. GRCh37 (hg19) VCF-style: chrX-129264039-T-C.
Other names: c.659A>G, p.Asp220Gly (NM_001130846.4); c.*904A>G (NM_001130847.4); c.1664A>G, p.Asp555Gly (NM_145812.3); short protein forms D559G, D220G, D555G.
Identifiers: ClinVar variation 1777791 (VCV001777791.2), dbSNP rs1394889162, ClinGen allele CA414568513.